The following is an entry in ClinVar:

NM_003073.5(SMARCB1):c.404T>A (p.Leu135Gln)

Gene: SMARCB1 (SWI/SNF related BAF chromatin remodeling complex subunit B1; plus strand). Cytogenetic location: 22q11.23.
Variant type: single nucleotide variant.
Coding change: c.404T>A on transcript NM_003073.5 (MANE Select); coding-DNA position 404, T replaced by A.
Protein change: p.Leu135Gln; replaces leucine 135 with glutamine.
Molecular consequence: missense variant.
Genome position (GRCh38, 1-based): chr22:23,800,985, T>A. VCF-style: chr22-23800985-T-A. GRCh37 (hg19) VCF-style: chr22-24143172-T-A.
Other names: c.377T>A, p.Leu126Gln (NM_001007468.3, NM_001317946.2); c.404T>A, p.Leu135Gln (NM_001362877.2); short protein forms L126Q, L135Q.
Identifiers: ClinVar variation 4864837 (VCV004864837.1).

ClinVar aggregate classification (germline): Uncertain significance (1 of 4 stars; one submission).

Conditions:
Hereditary cancer-predisposing syndrome. Also called: Neoplastic Syndromes, Hereditary; Tumor predisposition; Hereditary Cancer Syndrome; Hereditary neoplastic syndrome. Identifiers: Orphanet 140162, MedGen C0027672, MeSH D009386, MONDO:0015356.

Submission:

Ambry Genetics
Classification: Uncertain significance for Hereditary cancer-predisposing syndrome. Last evaluated: 2026-06-10. Review status: criteria provided, single submitter. Criteria: Ambry Variant Classification Scheme 2023. Collection method: clinical testing. Allele origin: germline.
Comment: The p.L135Q variant (also known as c.404T>A), located in coding exon 4 of the SMARCB1 gene, results from a T to A substitution at nucleotide position 404. The leucine at codon 135 is replaced by glutamine, an amino acid with dissimilar properties. This amino acid position is conserved. In addition, this alteration is predicted to be deleterious by in silico analysis. Based on the available evidence, the clinical significance of this variant remains unclear.